The following is an entry in ClinVar:

ClinVar aggregate classification (germline): Uncertain significance (1 of 4 stars; one submission).

Submission:

GeneDx
Classification: Uncertain significance. Last evaluated: 2025-03-28. Review status: criteria provided, single submitter. Criteria: GeneDx Variant Classification Process June 2021. Collection method: clinical testing. Allele origin: germline. Affected: yes.
Comment: Not observed at significant frequency in large population cohorts (gnomAD); In silico analysis indicates that this missense variant does not alter protein structure/function; Has not been previously published as pathogenic or benign to our knowledge

NM_004606.5(TAF1):c.222G>C (p.Leu74Phe)

Gene: TAF1 (TATA-box binding protein associated factor 1; plus strand). Cytogenetic location: Xq13.1.
Variant type: single nucleotide variant.
Coding change: c.222G>C on transcript NM_004606.5 (MANE Select); coding-DNA position 222, G replaced by C.
Protein change: p.Leu74Phe; replaces leucine 74 with phenylalanine.
Molecular consequence: missense variant. On other transcripts: non-coding transcript variant (9).
Genome position (GRCh38, 1-based): chrX:71,367,600, G>C. VCF-style: chrX-71367600-G-C. GRCh37 (hg19) VCF-style: chrX-70587450-G-C.
Other names: c.222G>C, p.Leu74Phe (NM_001286074.2, NM_001440852.1, NM_001440853.1 and 2 more transcripts); short protein forms L74F.
Identifiers: ClinVar variation 4088083 (VCV004088083.1).